The following is an entry in ClinVar:

NM_003072.5(SMARCA4):c.2761C>A (p.Leu921Ile)

Gene: SMARCA4 (SWI/SNF related BAF chromatin remodeling complex subunit ATPase 4; plus strand). Cytogenetic location: 19p13.2.
Variant type: single nucleotide variant.
Coding change: c.2761C>A on transcript NM_003072.5 (MANE Select); coding-DNA position 2761, C replaced by A.
Protein change: p.Leu921Ile; replaces leucine 921 with isoleucine.
Molecular consequence: missense variant. On other transcripts: non-coding transcript variant (1).
Genome position (GRCh38, 1-based): chr19:11,021,869, C>A. VCF-style: chr19-11021869-C-A. GRCh37 (hg19) VCF-style: chr19-11132545-C-A.
Other names: c.2761C>A, p.Leu921Ile (NM_001128844.3, NM_001128845.2, NM_001128846.2 and 6 more transcripts); short protein forms L921I.
Identifiers: ClinVar variation 4864811 (VCV004864811.1).

ClinVar aggregate classification (germline): Uncertain significance (1 of 4 stars; one submission).

Conditions:
Hereditary cancer-predisposing syndrome. Also called: Neoplastic Syndromes, Hereditary; Tumor predisposition; Hereditary Cancer Syndrome; Hereditary neoplastic syndrome. Identifiers: Orphanet 140162, MedGen C0027672, MeSH D009386, MONDO:0015356.

Submission:

Ambry Genetics
Classification: Uncertain significance for Hereditary cancer-predisposing syndrome. Last evaluated: 2026-05-06. Review status: criteria provided, single submitter. Criteria: Ambry Variant Classification Scheme 2023. Collection method: clinical testing. Allele origin: germline.
Comment: The c.2761C>A (p.L921I) alteration is located in exon 19 (coding exon 18) of the SMARCA4 gene. This alteration results from a C to A substitution at nucleotide position 2761, causing the leucine (L) at amino acid position 921 to be replaced by an isoleucine (I). This variant was not reported in population-based cohorts in the Genome Aggregation Database (gnomAD). This amino acid position is highly conserved in available vertebrate species. This missense variant is located in a region that has a low rate of benign missense variation (Lek, 2016; Firth, 2009). This alteration is predicted to be deleterious by in silico analysis. Based on insufficient or conflicting evidence, the clinical significance of this alteration remains unclear.